The following is an entry in ClinVar:

NM_001386140.1(MTTP):c.660T>C (p.Tyr220=)

Gene: MTTP (microsomal triglyceride transfer protein; plus strand). Cytogenetic location: 4q23.
Variant type: single nucleotide variant.
Coding change: c.660T>C on transcript NM_001386140.1 (MANE Select); coding-DNA position 660, T replaced by C.
Protein change: p.Tyr220=; no amino-acid change (tyrosine 220 retained).
Molecular consequence: synonymous variant.
Genome position (GRCh38, 1-based): chr4:99,591,692, T>C. VCF-style: chr4-99591692-T-C. GRCh37 (hg19) VCF-style: chr4-100512849-T-C.
Other names: p.Tyr220=; c.660T>C, p.Tyr220= (NM_000253.4); c.411T>C, p.Tyr137= (NM_001300785.2).
Identifiers: ClinVar variation 347026 (VCV000347026.24), dbSNP rs113557405, ClinGen allele CA3021914.

ClinVar aggregate classification (germline): Benign/Likely benign. Review status: criteria provided, multiple submitters, no conflicts (2 of 4 stars). 8 submissions from 8 submitters: Benign (5); Likely benign (2). 1 of the submissions does not count toward it. Last evaluated 2026-02-04.

Conditions:
Abetalipoproteinaemia (ABL). Also called: MTP DEFICIENCY; Abetalipoproteinemia; Abetalipoproteinemia neuropathy; Apolipoprotein B deficiency; Congenital betalipoprotein deficiency syndrome. Identifiers: Orphanet 14, MedGen C0000744, MONDO:0008692, OMIM 200100, HP:0008181.

Allele frequency attached by ClinVar (database versions not stated): 1000 Genomes Project 0.00978; 1000 Genomes Project 30x 0.01015; gnomAD 0.02258 and 0.02353; gnomAD exomes 0.02380 and 0.02698; TOPMed 0.02533; ESP Exome Variant Server 0.02553; ExAC 0.02564.
gnomAD v4.1: 38,923 of 1,612,974 alleles (2.4%); highest among the groups gnomAD compares: Middle Eastern, 11%; 945 homozygotes.

Submissions (8):

Labcorp Genetics (formerly Invitae), Labcorp
Classification: Benign. Last evaluated: 2026-02-04. Review status: criteria provided, single submitter. Criteria: Invitae Variant Classification Sherloc (09022015). Collection method: clinical testing. Allele origin: germline.

Mayo Clinic Laboratories, Mayo Clinic
Classification: Benign. Last evaluated: 2022-04-26. Review status: criteria provided, single submitter. Criteria: ACMG Guidelines, 2015. Collection method: clinical testing. Allele origin: germline. Observed: 106 variant alleles.

GeneDx
Classification: Likely benign. Last evaluated: 2021-11-10. Review status: criteria provided, single submitter. Criteria: GeneDx Variant Classification Process June 2021. Collection method: clinical testing. Allele origin: germline. Affected: yes.

Genome-Nilou Lab
Classification: Benign for Abetalipoproteinaemia. Last evaluated: 2021-05-18. Review status: criteria provided, single submitter. Criteria: ACMG Guidelines, 2015. Collection method: clinical testing. Allele origin: germline. Affected: no.

Women's Health and Genetics/Laboratory Corporation of America, LabCorp
Classification: Benign. Last evaluated: 2020-04-12. Review status: criteria provided, single submitter. Criteria: LabCorp Variant Classification Summary - May 2015. Collection method: clinical testing. Allele origin: germline.

Illumina Laboratory Services, Illumina
Classification: Benign for Abetalipoproteinaemia. Last evaluated: 2018-01-13. Review status: criteria provided, single submitter. Criteria: ICSL Variant Classification Criteria 13 December 2019. Collection method: clinical testing. Allele origin: germline.
Comment: This variant was observed in the ICSL laboratory as part of a predisposition screen in an ostensibly healthy population. It had not been previously curated by ICSL or reported in the Human Gene Mutation Database (HGMD: prior to June 1st, 2018), and was therefore a candidate for classification through an automated scoring system. Utilizing variant allele frequency, disease prevalence and penetrance estimates, and inheritance mode, an automated score was calculated to assess if this variant is too frequent to cause the disease. Based on the score and internal cut-off values, a variant classified as benign is not then subjected to further curation. The score for this variant resulted in a classification of benign for this disease.

Breakthrough Genomics
Classification: Likely benign. Review status: criteria provided, single submitter. Criteria: ACMG Guidelines, 2015. Collection method: not provided. Allele origin: germline. Inheritance: Autosomal recessive inheritance. Affected: yes.

Natera, Inc.
Classification: Benign for Abetalipoproteinemia. Last evaluated: 2019-11-25. Review status: no assertion criteria provided. Collection method: clinical testing. Allele origin: germline. Not counted in ClinVar's aggregate classification.